The following is an entry in ClinVar:

NM_004667.6(HERC2):c.11998G>A (p.Val4000Met)

Gene: HERC2 (HECT and RLD domain containing E3 ubiquitin protein ligase 2; minus strand). Cytogenetic location: 15q13.1.
Variant type: single nucleotide variant.
Coding change: c.11998G>A on transcript NM_004667.6 (MANE Select); coding-DNA position 11998, G replaced by A.
Protein change: p.Val4000Met; replaces valine 4000 with methionine.
Molecular consequence: missense variant.
Genome position (GRCh38, 1-based): chr15:28,141,449, C>T on the plus strand (G>A on the coding strand, the complement: HERC2 is on the minus strand). VCF-style: chr15-28141449-C-T. GRCh37 (hg19) VCF-style: chr15-28386595-C-T.
Other names: short protein forms V4000M.
Identifiers: ClinVar variation 1800684 (VCV001800684.1), dbSNP rs776871202, ClinGen allele CA7440419.

ClinVar aggregate classification (germline): Uncertain significance (1 of 4 stars; one submission).

Allele frequency attached by ClinVar (database versions not stated): gnomAD exomes below 0.00001; ExAC 0.00001; TOPMed 0.00001.
gnomAD v4.1: 4 of 1,614,106 alleles (0.00025%); highest among the groups gnomAD compares: Non-Finnish European, 0.00034%; no homozygotes.

Submission:

GeneDx
Classification: Uncertain significance. Last evaluated: 2022-05-19. Review status: criteria provided, single submitter. Criteria: GeneDx Variant Classification Process June 2021. Collection method: clinical testing. Allele origin: germline. Affected: yes.
Comment: Not observed at significant frequency in large population cohorts (gnomAD); In silico analysis supports that this missense variant has a deleterious effect on protein structure/function; Has not been previously published as pathogenic or benign to our knowledge